The following is an entry in ClinVar:

ClinVar aggregate classification (germline): Conflicting classifications of pathogenicity. Review status: criteria provided, conflicting classifications (1 of 4 stars). 6 submissions from 5 submitters: Uncertain significance (4); Likely benign (2). Last evaluated 2025-11-27.

Conditions:
Brain small vessel disease 1 with or without ocular anomalies (BSVD1). Also called: BRAIN SMALL VESSEL DISEASE WITH HEMORRHAGE; GOULD SYNDROME 1; Brain small vessel disease with or without ocular anomalies; PORENCEPHALY, TYPE 1, AUTOSOMAL DOMINANT. Identifiers: Orphanet 2940, Orphanet 36383, Orphanet 99810, MedGen C4755307, MONDO:0008289, OMIM 175780.
Autosomal dominant familial hematuria-retinal arteriolar tortuosity-contractures syndrome. Also called: Angiopathy, hereditary, with nephropathy, aneurysms, and muscle cramps; Hereditary Angiopathy with Nephropathy, Aneurysms, and Muscle Cramps (HANAC) Syndrome. Identifiers: Orphanet 73229, MedGen C2673195, MONDO:0012726, OMIM 611773.
Hemorrhage, intracerebral, susceptibility to (ICH). Also called: Stroke, hemorrhagic, susceptibility to. Identifiers: MedGen C3281105, MONDO:0100533, OMIM 614519.
Microangiopathy and leukoencephalopathy, pontine, autosomal dominant. Also called: DEMENTIA, HEREDITARY MULTI-INFARCT, SWEDISH TYPE; Pontine autosomal dominant microangiopathy with leukoencephalopathy. Identifiers: Orphanet 477749, MedGen C5231411, MONDO:0032814, OMIM 618564.
Retinal arterial tortuosity. Also called: RETINAL HEMORRHAGE WITH VASCULAR TORTUOSITY; Retinal arteries, tortuosity of. Identifiers: Orphanet 75326, MedGen C0423401, MONDO:0008373, OMIM 180000, HP:0000631.
COL4A1-related disorder. Also called: COL4A1-related disorders; COL4A1-related condition. Identifiers: MONDO:0800461, MedGen CN376119.

Allele frequency attached by ClinVar (database versions not stated): gnomAD exomes 0.00001; ExAC 0.00007; gnomAD 0.00015 and 0.00016; TOPMed 0.00018; 1000 Genomes Project 0.00020; 1000 Genomes Project 30x 0.00031.
gnomAD v4.1: 41 of 1,614,202 alleles (0.0025%); highest among the groups gnomAD compares: African/African-American, 0.043%; no homozygotes.

Submissions (6):

Labcorp Genetics (formerly Invitae), Labcorp
Classification: Likely benign. Last evaluated: 2025-11-27. Review status: criteria provided, single submitter. Criteria: Invitae Variant Classification Sherloc (09022015). Collection method: clinical testing. Allele origin: germline.

Fulgent Genetics
Classification: Likely benign for Brain small vessel disease 1 with or without ocular anomalies; Retinal arterial tortuosity; Autosomal dominant familial hematuria-retinal arteriolar tortuosity-contractures syndrome; Hemorrhage, intracerebral, susceptibility to; Microangiopathy and leukoencephalopathy, pontine, autosomal dominant. Last evaluated: 2024-02-16. Review status: criteria provided, single submitter. Criteria: ACMG Guidelines, 2015. Collection method: clinical testing. Allele origin: germline.

Daryl Scott Lab, Baylor College of Medicine
Classification: Uncertain significance for COL4A1-related disorder. Last evaluated: 2024-01-01. Review status: criteria provided, single submitter. Criteria: ACMG Guidelines, 2015. Collection method: clinical testing. Allele origin: maternal. Observed: 1 heterozygote.
Comment: PP3

Daryl Scott Lab, Baylor College of Medicine
Classification: Uncertain significance for Brain small vessel disease 1 with or without ocular anomalies. Last evaluated: 2023-04-11. Review status: criteria provided, single submitter. Criteria: ACMG Guidelines, 2015. Collection method: clinical testing. Allele origin: maternal. Affected: yes.

Blueprint Genetics
Classification: Uncertain significance. Last evaluated: 2022-10-28. Review status: criteria provided, single submitter. Criteria: ACMG Guidelines, 2015. Collection method: clinical testing. Allele origin: germline.

Athena Diagnostics
Classification: Uncertain significance. Last evaluated: 2018-03-05. Review status: criteria provided, single submitter. Criteria: Athena Diagnostics Criteria. Collection method: clinical testing. Allele origin: germline.

Literature cited by the submitters: PubMed 37673932 (cited by Daryl Scott Lab, Baylor College of Medicine).

NM_001845.6(COL4A1):c.3170T>C (p.Ile1057Thr)

Gene: COL4A1 (collagen type IV alpha 1 chain; minus strand). Cytogenetic location: 13q34.
Variant type: single nucleotide variant.
Coding change: c.3170T>C on transcript NM_001845.6 (MANE Select); coding-DNA position 3170, T replaced by C.
Protein change: p.Ile1057Thr; replaces isoleucine 1057 with threonine.
Molecular consequence: missense variant.
Genome position (GRCh38, 1-based): chr13:110,175,246, A>G on the plus strand (T>C on the coding strand, the complement: COL4A1 is on the minus strand). VCF-style: chr13-110175246-A-G. GRCh37 (hg19) VCF-style: chr13-110827593-A-G.
Other names: short protein forms I1057T.
Identifiers: ClinVar variation 585513 (VCV000585513.13), dbSNP rs569940067, ClinGen allele CA7047368.
Genomic context (GRCh38, chr13:110,175,246, plus strand): 5'-AAGGGGACCTTTCCACGCAGAGCGCTGGTTACCTTTTCACCTCGCAGCCCTGGGATGCCT[A>G]TGCCAGGTGGGCCTGCCTGCCCTTTCTCTCCTTTTGCACCTTTGTCTCCAGGTAAGCCAG-3'
Protein context (NP_001836.3, residues 1047-1067): GEKGQAGPPG[Ile1057Thr]GIPGLRGEKG